The following is an entry in ClinVar:

NM_201253.3(CRB1):c.848+1G>A

Gene: CRB1 (crumbs cell polarity complex component 1; plus strand). Cytogenetic location: 1q31.3.
Variant type: single nucleotide variant.
Coding change: c.848+1G>A on transcript NM_201253.3 (MANE Select); the canonical splice donor site of the intron after coding-DNA position 848, G replaced by A.
Molecular consequence: splice donor variant. On other transcripts: intron variant (1).
Genome position (GRCh38, 1-based): chr1:197,344,477, G>A. VCF-style: chr1-197344477-G-A. GRCh37 (hg19) VCF-style: chr1-197313607-G-A.
Other names: c.641+1G>A (NM_001257965.2); c.848+1G>A (NM_001257966.2); c.653-12354G>A (NM_001193640.2).
Identifiers: ClinVar variation 1373006 (VCV001373006.9), dbSNP rs2125328634, ClinGen allele CA344083660.
Genomic context (GRCh38, chr1:197,344,477, plus strand): 5'-TGATGAGTGTGCCAGTCAACCTTGTCTCCATGGAGGGCTGTGTGTGGATGGAGAAAACAG[G>A]TACATTTTCTCTGGCGTTGGGTGATTGGCTTAGAACTCCCTGACCATGAACTATTTTACC-3'

ClinVar aggregate classification (germline): Pathogenic. Review status: criteria provided, multiple submitters, no conflicts (2 of 4 stars). 3 submissions from 3 submitters: Pathogenic (3). Last evaluated 2024-02-08.

Conditions:
Retinitis pigmentosa 12 (RP12). Also called: RP WITH OR WITHOUT PPRPE; RP WITH OR WITHOUT PRESERVED PARAARTERIOLE RETINAL PIGMENT EPITHELIUM; RETINITIS PIGMENTOSA WITH OR WITHOUT PARAARTERIOLAR PRESERVATION OF RETINAL PIGMENT EPITHELIUM. Identifiers: Orphanet 791, MedGen C1838647, MONDO:0010818, OMIM 600105.
Leber congenital amaurosis 8 (LCA8). Identifiers: Orphanet 65, MedGen C3151202, MONDO:0013453, OMIM 613835.
Retinal dystrophy. Also called: Inherited retinal dystrophy. Identifiers: Orphanet 71862, MedGen C0854723, MeSH D058499, MONDO:0019118, HP:0000556.

Allele frequency attached by ClinVar (database versions not stated): gnomAD exomes below 0.00001.
gnomAD v4.1: 2 of 1,613,328 alleles (0.00012%); highest among the groups gnomAD compares: Non-Finnish European, 0.00017%; no homozygotes.

Submissions (3):

Baylor Genetics
Classification: Pathogenic for Leber congenital amaurosis 8. Last evaluated: 2024-02-08. Review status: criteria provided, single submitter. Criteria: ACMG Guidelines, 2015. Collection method: clinical testing. Allele origin: unknown.

Labcorp Genetics (formerly Invitae), Labcorp
Classification: Pathogenic for Leber congenital amaurosis 8; Retinitis pigmentosa 12. Last evaluated: 2023-06-17. Review status: criteria provided, single submitter. Criteria: Invitae Variant Classification Sherloc (09022015). Collection method: clinical testing. Allele origin: germline.
Comment: This variant is not present in population databases (gnomAD no frequency). This sequence change affects a donor splice site in intron 3 of the CRB1 gene. It is expected to disrupt RNA splicing. Variants that disrupt the donor or acceptor splice site typically lead to a loss of protein function (PMID: 16199547), and loss-of-function variants in CRB1 are known to be pathogenic (PMID: 10508521, 22065545, 23379534, 25412400, 26957898, 28041643, 29391521). Algorithms developed to predict the effect of sequence changes on RNA splicing suggest that this variant may disrupt the consensus splice site. For these reasons, this variant has been classified as Pathogenic. ClinVar contains an entry for this variant (Variation ID: 1373006). Disruption of this splice site has been observed in individuals with inherited retinal dystrophy (PMID: 28157192; Invitae).

Institute of Human Genetics, Univ. Regensburg, Univ. Regensburg
Classification: Pathogenic for Retinal dystrophy. Last evaluated: 2022-01-01. Review status: criteria provided, single submitter. Criteria: ACMG Guidelines, 2015. Collection method: clinical testing. Allele origin: germline. Affected: yes.

Literature cited by the submitters: PubMed 16199547 (cited by Labcorp Genetics (formerly Invitae), Labcorp); PubMed 10508521 (cited by Labcorp Genetics (formerly Invitae), Labcorp); PubMed 22065545 (cited by Labcorp Genetics (formerly Invitae), Labcorp); PubMed 23379534 (cited by Labcorp Genetics (formerly Invitae), Labcorp); PubMed 25412400 (cited by Labcorp Genetics (formerly Invitae), Labcorp); PubMed 26957898 (cited by Labcorp Genetics (formerly Invitae), Labcorp); PubMed 28041643 (cited by Labcorp Genetics (formerly Invitae), Labcorp); PubMed 29391521 (cited by Labcorp Genetics (formerly Invitae), Labcorp); PubMed 28157192 (cited by Labcorp Genetics (formerly Invitae), Labcorp and Institute of Human Genetics, Univ. Regensburg, Univ. Regensburg).